The following is an entry in ClinVar:

NC_000008.10:g.(?_64081111)_(64125347_?)del

Gene: YTHDF3 (YTH N6-methyladenosine RNA binding protein F3; plus strand). Cytogenetic location: 8q12.3.
Variant type: Deletion.
Identifiers: ClinVar variation 2506105 (VCV002506105.1).

ClinVar aggregate classification (germline): Likely pathogenic (1 of 4 stars; one submission).

Conditions:
YTHDF3-related disorder. Also called: YTHDF3-Related Disorders.

Submission:

Women's Health and Genetics/Laboratory Corporation of America, LabCorp
Classification: Likely pathogenic for YTHDF3-Related Disorders. Last evaluated: 2023-05-26. Review status: criteria provided, single submitter. Criteria: LabCorp Variant Classification Summary - May 2015. Collection method: clinical testing. Allele origin: germline.
Comment: Variant summary: The variant identified by MLPA or other technology involves the deletion of the entire coding sequence of the YTHDF3 gene. A presumed nomenclature of c.(?_-326)_(*3083_?)del has been designated for the purposes of this classification. The variant was absent in 21694 control chromosomes (gnomAD). Deletion of 8q12.3, encompassing YTHDF3, has been reported in the literature in four individuals (at least three of them were de novo occurrences) affected with features of neurodevelopmental disorder (Terkelsen_2022). These data indicate that the variant is likely to be associated with disease. To our knowledge, no experimental evidence demonstrating an impact on protein function has been reported. The following publication has been ascertained in the context of this evaluation (PMID: 34708403). No clinical diagnostic laboratories have submitted clinical-significance assessments for this variant to ClinVar after 2014. Based on the evidence outlined above, the variant was classified as likely pathogenic.

Literature cited by the submitters: PubMed 34708403.